The following is an entry in ClinVar:

ClinVar aggregate classification (germline): Uncertain significance. Review status: criteria provided, multiple submitters, no conflicts (2 of 4 stars). 4 submissions from 4 submitters: Uncertain significance (4). Last evaluated 2025-12-09.

Conditions:
Cardiovascular phenotype. Identifiers: MedGen CN230736.
Catecholaminergic polymorphic ventricular tachycardia (CVPT). Also called: Catecholamine-induced polymorphic ventricular tachycardia. Identifiers: Orphanet 3286, MedGen C5574922, MONDO:0017990.
Cardiomyopathy (CMYO). Also called: Cardiomyopathies. Identifiers: Orphanet 167848, MedGen C0878544, MONDO:0004994, HP:0001638. Inheritance: Various modes of inheritance.
Catecholaminergic polymorphic ventricular tachycardia 1. Also called: VENTRICULAR TACHYCARDIA, CATECHOLAMINERGIC POLYMORPHIC, 1, WITH OR WITHOUT ATRIAL DYSFUNCTION AND/OR DILATED CARDIOMYOPATHY; RYR2-Related Catecholaminergic Polymorphic Ventricular Tachycardia; VENTRICULAR TACHYCARDIA, STRESS-INDUCED POLYMORPHIC 1. Identifiers: Orphanet 3286, MedGen C1631597, MONDO:0011484, OMIM 604772.

Allele frequency attached by ClinVar (database versions not stated): gnomAD exomes 0.00001.
gnomAD v4.1: 3 of 1,613,142 alleles (0.00019%); highest among the groups gnomAD compares: African/African-American, 0.0027%; no homozygotes.

Submissions (4):

Labcorp Genetics (formerly Invitae), Labcorp
Classification: Uncertain significance for Catecholaminergic polymorphic ventricular tachycardia 1. Last evaluated: 2025-12-09. Review status: criteria provided, single submitter. Criteria: Invitae Variant Classification Sherloc (09022015). Collection method: clinical testing. Allele origin: germline.
Comment: This sequence change replaces histidine, which is basic and polar, with glutamine, which is neutral and polar, at codon 163 of the RYR2 protein (p.His163Gln). This variant is present in population databases (no rsID available, gnomAD 0.007%). This variant has not been reported in the literature in individuals affected with RYR2-related conditions. ClinVar contains an entry for this variant (Variation ID: 918476). Invitae Evidence Modeling of protein sequence and biophysical properties (such as structural, functional, and spatial information, amino acid conservation, physicochemical variation, residue mobility, and thermodynamic stability) indicates that this missense variant is expected to disrupt RYR2 protein function with a positive predictive value of 95%. In summary, the available evidence is currently insufficient to determine the role of this variant in disease. Therefore, it has been classified as a Variant of Uncertain Significance.

Color Diagnostics, LLC DBA Color Health
Classification: Uncertain significance for Cardiomyopathy. Last evaluated: 2024-03-06. Review status: criteria provided, single submitter. Criteria: ACMG Guidelines, 2015. Collection method: clinical testing. Allele origin: germline.
Comment: This missense variant replaces histidine with glutamine at codon 163 of the RYR2 protein. Computational prediction suggests that this variant may have deleterious impact on protein structure and function (internally defined REVEL score threshold >= 0.7, PMID: 27666373). To our knowledge, functional studies have not been reported for this variant. This variant has not been reported in individuals affected with RYR2-related disorders in the literature. This variant has been identified in 2/248584 chromosomes in the general population by the Genome Aggregation Database (gnomAD). The available evidence is insufficient to determine the role of this variant in disease conclusively. Therefore, this variant is classified as a Variant of Uncertain Significance.

Ambry Genetics
Classification: Uncertain significance for Cardiovascular phenotype. Last evaluated: 2023-12-06. Review status: criteria provided, single submitter. Criteria: Ambry Variant Classification Scheme 2023. Collection method: clinical testing. Allele origin: germline.
Comment: The p.H163Q variant (also known as c.489C>A), located in coding exon 8 of the RYR2 gene, results from a C to A substitution at nucleotide position 489. The histidine at codon 163 is replaced by glutamine, an amino acid with highly similar properties. This amino acid position is highly conserved in available vertebrate species. In addition, this alteration is predicted to be deleterious by in silico analysis. Since supporting evidence is limited at this time, the clinical significance of this alteration remains unclear.

All of Us Research Program, National Institutes of Health
Classification: Uncertain significance for Catecholaminergic polymorphic ventricular tachycardia. Last evaluated: 2023-10-02. Review status: criteria provided, single submitter. Criteria: ACMG Guidelines, 2015. Collection method: clinical testing. Allele origin: germline. Inheritance: Autosomal dominant inheritance. Observed: 1 variant allele, 1 heterozygote.
Comment: This missense variant replaces histidine with glutamine at codon 163 of the RYR2 protein. Computational prediction tools and conservation analyses are inconclusive regarding the impact of this variant on protein structure and function. Splice site prediction tools suggest that this variant may not impact RNA splicing. To our knowledge, functional studies have not been performed for this variant. This variant has not been reported in individuals affected with cardiovascular disorders in the literature. This variant has been identified in 2/248584 chromosomes in the general population by the Genome Aggregation Database (gnomAD). The available evidence is insufficient to determine the role of this variant in disease conclusively. Therefore, this variant is classified as a Variant of Uncertain Significance.

This study involves interpretation of variants in research participants for the purpose of population health screening. Participant phenotype was not available at the time of variant classification. Additional details can be found in publication PMID: 35346344, PMCID: PMC8962531

NM_001035.3(RYR2):c.489C>A (p.His163Gln)

Gene: RYR2 (ryanodine receptor 2; plus strand). Cytogenetic location: 1q43.
Variant type: single nucleotide variant.
Coding change: c.489C>A on transcript NM_001035.3 (MANE Select); coding-DNA position 489, C replaced by A.
Protein change: p.His163Gln; replaces histidine 163 with glutamine.
Molecular consequence: missense variant.
Genome position (GRCh38, 1-based): chr1:237,377,348, C>A. VCF-style: chr1-237377348-C-A. GRCh37 (hg19) VCF-style: chr1-237540648-C-A.
Other names: c.489C>A (NM_001035.2); short protein forms H163Q.
Identifiers: ClinVar variation 918476 (VCV000918476.9), dbSNP rs1178843120, ClinGen allele CA345375474.
Genomic context (GRCh38, chr1:237,377,348, plus strand): 5'-ACTTTTTCATGTTTCACATATCCGTATATCTGCAGGGGAGGCTTGTTGGTGGACCATACA[C>A]CCTGCCTCTAAGCAGCGATCAGAAGGAGAAAAAGTACGAGTTGGAGATGACCTCATCTTA-3'
Protein context (NP_001026.2, residues 153-173): TTGEACWWTI[His163Gln]PASKQRSEGE